The following is an entry in ClinVar:

ClinVar aggregate classification (germline): Likely pathogenic (1 of 4 stars; one submission).

Conditions:
Alkuraya-Kucinskas syndrome. Identifiers: Orphanet 610569, MedGen C4693347, MONDO:0060631, OMIM 617822.

Submission:

Variantyx, Inc.
Classification: Likely pathogenic for Alkuraya-Kucinskas syndrome. Last evaluated: 2026-01-20. Review status: criteria provided, single submitter. Criteria: Variantyx Assertion Criteria 2022. Collection method: clinical testing. Allele origin: germline. Inheritance: Autosomal recessive inheritance. Affected: no.
Comment: This is a frameshift variant in the BLTP1 gene (OMIM: 611565). Pathogenic variants in this gene have been associated with autosomal recessive Alkuraya-Kucinskas syndrome. This variant introduces a premature termination codon in exon 29 out of 88 and is expected to result in loss of function, which is a known disease mechanism for BLTP1 in this disorder (PMID: 29290337) (PVS1). This variant has a 0.0002% maximum allele frequency in non-founder control populations (PM2). Based on the current evidence, this variant is classified as likely pathogenic for autosomal recessive Alkuraya-Kucinskas syndrome.

Literature cited by the submitters: PubMed 29290337.

NM_001384125.1(BLTP1):c.4309_4310dup (p.Val1437_Glu1438insTer)

Gene: BLTP1 (bridge-like lipid transfer protein family member 1; plus strand). Cytogenetic location: 4q27.
Variant type: Microsatellite.
Coding change: c.4309_4310dup on transcript NM_001384125.1 (MANE Select); coding-DNA positions 4309 to 4310, 2 bases duplicated (GT; older notation c.4309_4310dupGT).
Protein change: p.Val1437_Glu1438insTer.
Molecular consequence: frameshift variant.
Genome position (GRCh38, 1-based): chr4:122,239,991-122,239,992, GT duplicated; duplicating any 2 consecutive bases within chr4:122,239,989-122,239,992 gives the same sequence; the c. name uses the placement nearest the transcript's 3' end. VCF-style (leftmost placement, unchanged base first): chr4-122239988-A-AGT. GRCh37 (hg19) VCF-style: chr4-123161143-A-AGT.
Other names: c.4309_4310dup, p.Val1437_Glu1438insTer (NM_015312.4).
Identifiers: ClinVar variation 4813752 (VCV004813752.1).
Genomic context (GRCh38, chr4:122,239,988, plus strand): 5'-AGAAAAAAGAAGAAAAAGCAAACCCAGCAGATTGACTACAGTAGGGGTTCCATATATCAC[A>AGT]GTGTAGAAGGGCCACTTACTGGACATGGAGAAAGCATTCAGGATTCCAGAACTCTGCCAT-3'